The following is an entry in ClinVar:

ClinVar aggregate classification (germline): Uncertain significance (1 of 4 stars; one submission).

Conditions:
Hereditary cancer-predisposing syndrome. Also called: Tumor predisposition; Hereditary neoplastic syndrome; Hereditary Cancer Syndrome; Neoplastic Syndromes, Hereditary. Identifiers: Orphanet 140162, MedGen C0027672, MeSH D009386, MONDO:0015356.

Submission:

Ambry Genetics
Classification: Uncertain significance for Hereditary cancer-predisposing syndrome. Last evaluated: 2023-10-13. Review status: criteria provided, single submitter. Criteria: Ambry Variant Classification Scheme 2023. Collection method: clinical testing. Allele origin: germline.
Comment: The p.K57E variant (also known as c.169A>G), located in coding exon 2 of the CTNNA1 gene, results from an A to G substitution at nucleotide position 169. The lysine at codon 57 is replaced by glutamic acid, an amino acid with similar properties. This amino acid position is conserved. In addition, the in silico prediction for this alteration is inconclusive. Since supporting evidence is limited at this time, the clinical significance of this alteration remains unclear.

NM_001903.5(CTNNA1):c.169A>G (p.Lys57Glu)

Gene: CTNNA1 (catenin alpha 1; plus strand). Cytogenetic location: 5q31.2.
Variant type: single nucleotide variant.
Coding change: c.169A>G on transcript NM_001903.5 (MANE Select); coding-DNA position 169, A replaced by G.
Protein change: p.Lys57Glu; replaces lysine 57 with glutamic acid.
Molecular consequence: missense variant. On other transcripts: 5 prime UTR variant (1), intron variant (1).
Genome position (GRCh38, 1-based): chr5:138,783,240, A>G. VCF-style: chr5-138783240-A-G. GRCh37 (hg19) VCF-style: chr5-138118929-A-G.
Other names: c.169A>G, p.Lys57Glu (NM_001290307.3, NM_001323982.2, NM_001323983.1 and 3 more transcripts); c.-38A>G (NM_001290310.3); c.-9+1211A>G (NM_001290309.3); short protein forms K57E.
Identifiers: ClinVar variation 3221886 (VCV003221886.1), dbSNP rs2532178377, ClinGen allele CA361477394.